The following is an entry in ClinVar:

ClinVar aggregate classification (germline): Uncertain significance. Review status: criteria provided, multiple submitters, no conflicts (2 of 4 stars). 2 submissions from 2 submitters: Uncertain significance (2). Last evaluated 2024-10-13.

Conditions:
Charcot-Marie-Tooth disease axonal type 2C (HMSN2C). Also called: CHARCOT-MARIE-TOOTH DISEASE, AXONAL, AUTOSOMAL DOMINANT, TYPE 2C; Charcot-Marie-Tooth Neuropathy Type 2C; Charcot-Marie-Tooth Disease Type 2, TRPV4-Related (CMT2C). Identifiers: Orphanet 99937, MedGen C1853710, MONDO:0011633, OMIM 606071.

Allele frequency attached by ClinVar (database versions not stated): ExAC 0.00001; gnomAD 0.00001; TOPMed 0.00002; ESP Exome Variant Server 0.00008.

Submissions (2):

Labcorp Genetics (formerly Invitae), Labcorp
Classification: Uncertain significance for Charcot-Marie-Tooth disease axonal type 2C. Last evaluated: 2024-10-13. Review status: criteria provided, single submitter. Criteria: Invitae Variant Classification Sherloc (09022015). Collection method: clinical testing. Allele origin: germline.
Comment: This sequence change replaces arginine, which is basic and polar, with tryptophan, which is neutral and slightly polar, at codon 151 of the TRPV4 protein (p.Arg151Trp). This variant is present in population databases (rs150022362, gnomAD 0.01%). This missense change has been observed in individual(s) with clinical features of TRPV4-related conditions (PMID: 27066566). ClinVar contains an entry for this variant (Variation ID: 1803438). Invitae Evidence Modeling of protein sequence and biophysical properties (such as structural, functional, and spatial information, amino acid conservation, physicochemical variation, residue mobility, and thermodynamic stability) has been performed for this missense variant. However, the output from this modeling did not meet the statistical confidence thresholds required to predict the impact of this variant on TRPV4 protein function. In summary, the available evidence is currently insufficient to determine the role of this variant in disease. Therefore, it has been classified as a Variant of Uncertain Significance.

GeneDx
Classification: Uncertain significance. Last evaluated: 2022-06-12. Review status: criteria provided, single submitter. Criteria: GeneDx Variant Classification Process June 2021. Collection method: clinical testing. Allele origin: germline. Affected: yes.
Comment: In silico analysis supports that this missense variant has a deleterious effect on protein structure/function; Has not been previously published as pathogenic or benign to our knowledge

Literature cited by the submitters: PubMed 27066566 (cited by Labcorp Genetics (formerly Invitae), Labcorp).

NM_021625.5(TRPV4):c.451C>T (p.Arg151Trp)

Gene: TRPV4 (transient receptor potential cation channel subfamily V member 4; minus strand). Cytogenetic location: 12q24.11.
Variant type: single nucleotide variant.
Coding change: c.451C>T on transcript NM_021625.5 (MANE Select); coding-DNA position 451, C replaced by T.
Protein change: p.Arg151Trp; replaces arginine 151 with tryptophan.
Molecular consequence: missense variant.
Genome position (GRCh38, 1-based): chr12:109,808,404, G>A on the plus strand (C>T on the coding strand, the complement: TRPV4 is on the minus strand). VCF-style: chr12-109808404-G-A. GRCh37 (hg19) VCF-style: chr12-110246209-G-A.
Other names: c.451C>T, p.Arg151Trp (NM_001177428.2, NM_001177433.2, NM_147204.3); c.349C>T, p.Arg117Trp (NM_001177431.2); short protein forms R117W, R151W.
Identifiers: ClinVar variation 1803438 (VCV001803438.7), dbSNP rs150022362, ClinGen allele CA6780539.